The following is an entry in ClinVar:

ClinVar aggregate classification (germline): Uncertain significance (1 of 4 stars; one submission).

Conditions:
Deficiency of alpha-mannosidase (MANSA). Also called: Mannosidosis, alpha-, types I and II; LYSOSOMAL ALPHA-D-MANNOSIDASE DEFICIENCY; Alpha-Mannosidosis. Identifiers: Orphanet 61, MedGen C0024748, MONDO:0009561, OMIM 248500.

Submission:

Labcorp Genetics (formerly Invitae), Labcorp
Classification: Uncertain significance for Deficiency of alpha-mannosidase. Last evaluated: 2021-11-29. Review status: criteria provided, single submitter. Criteria: Invitae Variant Classification Sherloc (09022015). Collection method: clinical testing. Allele origin: germline.
Comment: In summary, the available evidence is currently insufficient to determine the role of this variant in disease. Therefore, it has been classified as a Variant of Uncertain Significance. Algorithms developed to predict the effect of missense changes on protein structure and function are either unavailable or do not agree on the potential impact of this missense change (SIFT: "Deleterious"; PolyPhen-2: "Probably Damaging"; Align-GVGD: "Class C0"). This variant has not been reported in the literature in individuals affected with MAN2B1-related conditions. This variant is not present in population databases (gnomAD no frequency). This sequence change replaces proline, which is neutral and non-polar, with arginine, which is basic and polar, at codon 248 of the MAN2B1 protein (p.Pro248Arg).

NM_000528.4(MAN2B1):c.743C>G (p.Pro248Arg)

Gene: MAN2B1 (mannosidase alpha class 2B member 1; minus strand). Cytogenetic location: 19p13.13.
Variant type: single nucleotide variant.
Coding change: c.743C>G on transcript NM_000528.4 (MANE Select); coding-DNA position 743, C replaced by G.
Protein change: p.Pro248Arg; replaces proline 248 with arginine.
Molecular consequence: missense variant.
Genome position (GRCh38, 1-based): chr19:12,663,723, G>C on the plus strand (C>G on the coding strand, the complement: MAN2B1 is on the minus strand). VCF-style: chr19-12663723-G-C. GRCh37 (hg19) VCF-style: chr19-12774537-G-C.
Other names: c.743C>G, p.Pro248Arg (NM_001173498.2); short protein forms P248R.
Identifiers: ClinVar variation 1430220 (VCV001430220.6), dbSNP rs117843968, ClinGen allele CA404252606.